The following is an entry in ClinVar:

ClinVar aggregate classification (germline): Uncertain significance. Review status: criteria provided, multiple submitters, no conflicts (2 of 4 stars). 3 submissions from 3 submitters: Uncertain significance (2). 1 of the submissions does not count toward it. Last evaluated 2025-07-21.

Conditions:
Dyskeratosis congenita. Identifiers: Orphanet 1775, MedGen C0265965, MONDO:0015780.
Dyskeratosis congenita, autosomal recessive 5 (DKCB5). Identifiers: MedGen C3554656, MONDO:0014076, OMIM 615190.
Pulmonary fibrosis and/or bone marrow failure, Telomere-related, 3. Also called: PULMONARY FIBROSIS AND/OR BONE MARROW FAILURE SYNDROME, TELOMERE-RELATED, 3. Identifiers: Orphanet 2032, MedGen C4225346, MONDO:0014613, OMIM 616373.
Inborn genetic diseases. Identifiers: MedGen C0950123, MeSH D030342.

Allele frequency attached by ClinVar (database versions not stated): gnomAD 0.00001; gnomAD exomes 0.00001; ExAC 0.00002; TOPMed 0.00002.
gnomAD v4.1: 10 of 1,612,136 alleles (0.00062%); highest among the groups gnomAD compares: South Asian, 0.0044%; no homozygotes.

Submissions (3):

Labcorp Genetics (formerly Invitae), Labcorp
Classification: Uncertain significance for Dyskeratosis congenita, autosomal recessive 5; Pulmonary fibrosis and/or bone marrow failure, Telomere-related, 3. Last evaluated: 2025-07-21. Review status: criteria provided, single submitter. Criteria: Invitae Variant Classification Sherloc (09022015). Collection method: clinical testing. Allele origin: germline.
Comment: This sequence change replaces proline, which is neutral and non-polar, with leucine, which is neutral and non-polar, at codon 1156 of the RTEL1 protein (p.Pro1156Leu). This variant is present in population databases (rs746759990, gnomAD 0.007%). This variant has not been reported in the literature in individuals affected with RTEL1-related conditions. ClinVar contains an entry for this variant (Variation ID: 640256). An algorithm developed to predict the effect of missense changes on protein structure and function (PolyPhen-2) suggests that this variant is likely to be tolerated. In summary, the available evidence is currently insufficient to determine the role of this variant in disease. Therefore, it has been classified as a Variant of Uncertain Significance.

Ambry Genetics
Classification: Uncertain significance for Inborn genetic diseases. Last evaluated: 2024-12-30. Review status: criteria provided, single submitter. Criteria: Ambry Variant Classification Scheme 2023. Collection method: clinical testing. Allele origin: germline.
Comment: The p.P1156L variant (also known as c.3467C>T), located in coding exon 32 of the RTEL1 gene, results from a C to T substitution at nucleotide position 3467. The proline at codon 1156 is replaced by leucine, an amino acid with similar properties. This amino acid position is conserved. In addition, this alteration is predicted to be tolerated by in silico analysis. Based on the available evidence, the clinical significance of this variant remains unclear.

Natera, Inc.
Classification: Uncertain significance for Dyskeratosis congenita. Last evaluated: 2020-08-12. Review status: no assertion criteria provided. Collection method: clinical testing. Allele origin: germline. Not counted in ClinVar's aggregate classification.

NM_001283009.2(RTEL1):c.3467C>T (p.Pro1156Leu)

Genes: RTEL1 (regulator of telomere elongation helicase 1; plus strand), RTEL1-TNFRSF6B (RTEL1-TNFRSF6B readthrough (NMD candidate); plus strand). Cytogenetic location: 20q13.33.
Variant type: single nucleotide variant.
Coding change: c.3467C>T on transcript NM_001283009.2 (MANE Select); coding-DNA position 3467, C replaced by T.
Protein change: p.Pro1156Leu; replaces proline 1156 with leucine.
Molecular consequence: missense variant. On other transcripts: non-coding transcript variant (1).
Genome position (GRCh38, 1-based): chr20:63,695,189, C>T. VCF-style: chr20-63695189-C-T. GRCh37 (hg19) VCF-style: chr20-62326542-C-T.
Other names: c.2798C>T, p.Pro933Leu (NM_001283010.1); c.3467C>T, p.Pro1156Leu (NM_016434.4); c.3539C>T, p.Pro1180Leu (NM_032957.5); short protein forms P933L, P1156L, P1180L.
Identifiers: ClinVar variation 640256 (VCV000640256.9), dbSNP rs746759990, ClinGen allele CA9966045.